The following is an entry in ClinVar:

ClinVar aggregate classification (germline): Uncertain significance. Review status: criteria provided, multiple submitters, no conflicts (2 of 4 stars). 5 submissions from 5 submitters: Uncertain significance (5). Last evaluated 2026-07-08.

Conditions:
TRRAP-related disorder. Also called: TRRAP-related condition.
Inborn genetic diseases. Identifiers: MedGen C0950123, MeSH D030342.

Allele frequency attached by ClinVar (database versions not stated): ExAC 0.00002; gnomAD exomes 0.00002; TOPMed 0.00005.
gnomAD v4.1: 10 of 1,614,122 alleles (0.00062%); highest among the groups gnomAD compares: Admixed American, 0.012%; no homozygotes.

Submissions (5):

PreventionGenetics, part of Exact Sciences
Classification: Uncertain significance for TRRAP-related condition. Last evaluated: 2026-07-08. Review status: criteria provided, single submitter. Criteria: ACMG Guidelines, 2015. Collection method: clinical testing. Allele origin: germline.
Comment: The TRRAP c.8108T>C variant is predicted to result in the amino acid substitution p.Leu2703Pro. To our knowledge, this variant has not been reported in the literature. This variant is reported in 0.0058% of alleles in individuals of Latino descent in gnomAD. At this time, the clinical significance of this variant is uncertain due to the absence of conclusive functional and genetic evidence.

Ambry Genetics
Classification: Uncertain significance for Inborn genetic diseases. Last evaluated: 2025-11-06. Review status: criteria provided, single submitter. Criteria: Ambry Variant Classification Scheme 2023. Collection method: clinical testing. Allele origin: germline.

Labcorp Genetics (formerly Invitae), Labcorp
Classification: Uncertain significance. Last evaluated: 2025-09-15. Review status: criteria provided, single submitter. Criteria: Invitae Variant Classification Sherloc (09022015). Collection method: clinical testing. Allele origin: germline.
Comment: This sequence change replaces leucine, which is neutral and non-polar, with proline, which is neutral and non-polar, at codon 2703 of the TRRAP protein (p.Leu2703Pro). This variant is present in population databases (rs771377190, gnomAD 0.006%). This variant has not been reported in the literature in individuals affected with TRRAP-related conditions. ClinVar contains an entry for this variant (Variation ID: 2437380). An algorithm developed to predict the effect of missense changes on protein structure and function (PolyPhen-2) suggests that this variant is likely to be tolerated. In summary, the available evidence is currently insufficient to determine the role of this variant in disease. Therefore, it has been classified as a Variant of Uncertain Significance.

Women's Health and Genetics/Laboratory Corporation of America, LabCorp
Classification: Uncertain significance. Last evaluated: 2024-06-27. Review status: criteria provided, single submitter. Criteria: LabCorp Variant Classification Summary - May 2015. Collection method: clinical testing. Allele origin: germline.
Comment: Variant summary: TRRAP c.8108T>C (p.Leu2703Pro) results in a non-conservative amino acid change located in the PIK-related kinase (IPR014009) domain of the encoded protein sequence. Three of five in-silico tools predict a damaging effect of the variant on protein function. The variant allele was found at a frequency of 1.6e-05 in 251348 control chromosomes (gnomAD). The available data on variant occurrences in the general population are insufficient to allow any conclusion about variant significance. To our knowledge, no occurrence of c.8108T>C in individuals affected with Developmental Delay With Or Without Dysmorphic Facies And Autism and no experimental evidence demonstrating its impact on protein function have been reported. ClinVar contains an entry for this variant (Variation ID: 2437380). Based on the evidence outlined above, the variant was classified as uncertain significance.

Revvity Omics, Revvity
Classification: Uncertain significance. Last evaluated: 2022-06-03. Review status: criteria provided, single submitter. Criteria: ACMG Guidelines, 2015. Collection method: clinical testing. Allele origin: germline.

NM_001375524.1(TRRAP):c.8183T>C (p.Leu2728Pro)

Gene: TRRAP (transformation/transcription domain associated protein; plus strand). Cytogenetic location: 7q22.1.
Variant type: single nucleotide variant.
Coding change: c.8183T>C on transcript NM_001375524.1 (MANE Select); coding-DNA position 8183, T replaced by C.
Protein change: p.Leu2728Pro; replaces leucine 2728 with proline.
Molecular consequence: missense variant.
Genome position (GRCh38, 1-based): chr7:98,976,706, T>C. VCF-style: chr7-98976706-T-C. GRCh37 (hg19) VCF-style: chr7-98574329-T-C.
Other names: c.8162T>C, p.Leu2721Pro (NM_001244580.2); c.8108T>C, p.Leu2703Pro (NM_003496.4); c.8162T>C (NM_001244580.1); short protein forms L2703P, L2721P, L2728P.
Identifiers: ClinVar variation 2437380 (VCV002437380.9), dbSNP rs771377190, ClinGen allele CA4361338.